The following is an entry in ClinVar:

ClinVar aggregate classification (germline): Uncertain significance (1 of 4 stars; one submission).

Conditions:
Cardiovascular phenotype. Identifiers: MedGen CN230736.

Allele frequency attached by ClinVar (database versions not stated): ExAC 0.00002; gnomAD 0.00002.

Submission:

Ambry Genetics
Classification: Uncertain significance for Cardiovascular phenotype. Last evaluated: 2023-10-15. Review status: criteria provided, single submitter. Criteria: Ambry Variant Classification Scheme 2023. Collection method: clinical testing. Allele origin: germline.
Comment: The p.A395V variant (also known as c.1184C>T), located in coding exon 8 of the ABCG8 gene, results from a C to T substitution at nucleotide position 1184. The alanine at codon 395 is replaced by valine, an amino acid with similar properties. This amino acid position is conserved. In addition, this alteration is predicted to be tolerated by in silico analysis. Since supporting evidence is limited at this time, the clinical significance of this alteration remains unclear.

NM_022437.3(ABCG8):c.1184C>T (p.Ala395Val)

Gene: ABCG8 (ATP binding cassette subfamily G member 8; plus strand). Cytogenetic location: 2p21.
Variant type: single nucleotide variant.
Coding change: c.1184C>T on transcript NM_022437.3 (MANE Select); coding-DNA position 1184, C replaced by T.
Protein change: p.Ala395Val; replaces alanine 395 with valine.
Molecular consequence: missense variant.
Genome position (GRCh38, 1-based): chr2:43,872,279, C>T. VCF-style: chr2-43872279-C-T. GRCh37 (hg19) VCF-style: chr2-44099418-C-T.
Other names: c.1181C>T, p.Ala394Val (NM_001357321.2); short protein forms A394V, A395V.
Identifiers: ClinVar variation 3227767 (VCV003227767.1), dbSNP rs753700259, ClinGen allele CA1637332.
Genomic context (GRCh38, chr2:43,872,279, plus strand): 5'-CCAGCAGCGTGACCCCACTAGACACCAACTGCCTCCCGAGTCCTACGAAGATGCCTGGGG[C>T]GGTGCAGCAGTTTACGACGCTGATCCGGTAATTATCTGTCATTTTATTACTGAACCCGCC-3'
Protein context (NP_071882.1, residues 385-405): CLPSPTKMPG[Ala395Val]VQQFTTLIRR